The following is an entry in ClinVar:

NM_000536.4(RAG2):c.1024G>T (p.Gly342Ter)

Gene: RAG2 (recombination activating 2; minus strand). Cytogenetic location: 11p12.
Variant type: single nucleotide variant.
Coding change: c.1024G>T on transcript NM_000536.4 (MANE Select); coding-DNA position 1024, G replaced by T.
Protein change: p.Gly342Ter; replaces glycine 342 with a stop codon.
Molecular consequence: nonsense.
Genome position (GRCh38, 1-based): chr11:36,593,145, C>A on the plus strand (G>T on the coding strand, the complement: RAG2 is on the minus strand). VCF-style: chr11-36593145-C-A. GRCh37 (hg19) VCF-style: chr11-36614695-C-A.
Other names: c.1024G>T, p.Gly342Ter (NM_001243785.2, NM_001243786.2); short protein forms G342*.
Identifiers: ClinVar variation 2029414 (VCV002029414.4), dbSNP rs2494791063, ClinGen allele CA380141304.
Genomic context (GRCh38, chr11:36,593,145, plus strand): 5'-ATGTTGTCTGCTCTTCATTAGTATCATCTTCAGCACATTTCAACATATAGAAATAGAATC[C>A]TTCTGAAACAACTTGTTTATTGTCTCCTGGTATGCCAAGAAAAACAGTTCCATTTCCCAT-3'

ClinVar aggregate classification (germline): Pathogenic (1 of 4 stars; one submission).

Conditions:
Severe combined immunodeficiency, autosomal recessive, T cell-negative, B cell-negative, NK cell-positive. Also called: Severe combined immunodeficiency due to complete RAG1/2 deficiency; SCID, AR, T-cell negative, B-cell negative, NK cell-positive; SCID, T CELL-NEGATIVE, B CELL-NEGATIVE, NK CELL-POSITIVE. Identifiers: Orphanet 331206, MedGen C1832322, MONDO:0011086, OMIM 601457.
Combined immunodeficiency with skin granulomas. Identifiers: Orphanet 157949, MedGen C2673536, MONDO:0009306, OMIM 233650.

Submission:

Labcorp Genetics (formerly Invitae), Labcorp
Classification: Pathogenic for Combined immunodeficiency with skin granulomas; Severe combined immunodeficiency, autosomal recessive, T cell-negative, B cell-negative, NK cell-positive. Last evaluated: 2022-09-07. Review status: criteria provided, single submitter. Criteria: Invitae Variant Classification Sherloc (09022015). Collection method: clinical testing. Allele origin: germline.
Comment: This sequence change creates a premature translational stop signal (p.Gly342*) in the RAG2 gene. While this is not anticipated to result in nonsense mediated decay, it is expected to disrupt the last 186 amino acid(s) of the RAG2 protein. This variant is not present in population databases (gnomAD no frequency). For these reasons, this variant has been classified as Pathogenic. This variant disrupts a region of the RAG2 protein in which other variant(s) (p.Glu480*) have been determined to be pathogenic (PMID: 21624848, 29772310). This suggests that this is a clinically significant region of the protein, and that variants that disrupt it are likely to be disease-causing. This variant has not been reported in the literature in individuals affected with RAG2-related conditions.

Literature cited by the submitters: PubMed 21624848; PubMed 29772310.